The following is an entry in ClinVar:

ClinVar aggregate classification (germline): Uncertain significance. Review status: criteria provided, multiple submitters, no conflicts (2 of 4 stars). 2 submissions from 2 submitters: Uncertain significance (2). Last evaluated 2025-03-11.

Conditions:
ATP6V1B1-related disorder. Also called: ATP6V1B1-related condition.

Allele frequency attached by ClinVar (database versions not stated): ExAC 0.00001; gnomAD 0.00001; TOPMed 0.00001; ESP Exome Variant Server 0.00008.
gnomAD v4.1: 10 of 1,613,946 alleles (0.00062%); highest among the groups gnomAD compares: African/African-American, 0.0053%; no homozygotes.

Submissions (2):

PreventionGenetics, part of Exact Sciences
Classification: Uncertain significance for ATP6V1B1-related condition. Last evaluated: 2025-03-11. Review status: criteria provided, single submitter. Criteria: ACMG Guidelines, 2015. Collection method: clinical testing. Allele origin: germline.
Comment: The ATP6V1B1 c.806C>T variant is predicted to result in the amino acid substitution p.Pro269Leu. This variant has been reported in compound heterozygous state with ATP6V1B1 variant of uncertain significance in an individual with Renal tubular acidosis, distal (Table S3, Huang et al. 2022. PubMed ID: 35612621). This variant is reported in 0.018% of alleles in individuals of African descent in gnomAD. At this time, the clinical significance of this variant is uncertain due to the absence of conclusive functional and genetic evidence.

GeneDx
Classification: Uncertain significance. Last evaluated: 2023-03-27. Review status: criteria provided, single submitter. Criteria: GeneDx Variant Classification Process June 2021. Collection method: clinical testing. Allele origin: germline. Affected: yes.
Comment: Reported with a second variant (phase unknown) in an individual with primary distal renal tubular acidosis in published literature (Huang et al., 2020); In silico analysis supports that this missense variant has a deleterious effect on protein structure/function; This variant is associated with the following publications: (PMID: Huang2020[paper])

NM_001692.4(ATP6V1B1):c.806C>T (p.Pro269Leu)

Gene: ATP6V1B1 (ATPase H+ transporting V1 subunit B1; plus strand). Cytogenetic location: 2p13.3.
Variant type: single nucleotide variant.
Coding change: c.806C>T on transcript NM_001692.4 (MANE Select); coding-DNA position 806, C replaced by T.
Protein change: p.Pro269Leu; replaces proline 269 with leucine.
Molecular consequence: missense variant.
Genome position (GRCh38, 1-based): chr2:70,962,797, C>T. VCF-style: chr2-70962797-C-T. GRCh37 (hg19) VCF-style: chr2-71189927-C-T.
Other names: short protein forms P269L.
Identifiers: ClinVar variation 2499447 (VCV002499447.2), dbSNP rs145090491, ClinGen allele CA1701173.